The following is an entry in ClinVar:

ClinVar aggregate classification (germline): Uncertain significance (1 of 4 stars; one submission).

Conditions:
RASopathy. Also called: rasopathies; Noonan spectrum disorder. Identifiers: Orphanet 536391, MedGen C5555857, MONDO:0021060.

Submission:

Labcorp Genetics (formerly Invitae), Labcorp
Classification: Uncertain significance for RASopathy. Last evaluated: 2025-05-21. Review status: criteria provided, single submitter. Criteria: Invitae Variant Classification Sherloc (09022015). Collection method: clinical testing. Allele origin: germline.
Comment: This sequence change replaces glutamic acid, which is acidic and polar, with alanine, which is neutral and non-polar, at codon 107 of the CBL protein (p.Glu107Ala). This variant is not present in population databases (gnomAD no frequency). This variant has not been reported in the literature in individuals affected with CBL-related conditions. ClinVar contains an entry for this variant (Variation ID: 2692956). Invitae Evidence Modeling of protein sequence and biophysical properties (such as structural, functional, and spatial information, amino acid conservation, physicochemical variation, residue mobility, and thermodynamic stability) indicates that this missense variant is not expected to disrupt CBL protein function with a negative predictive value of 95%. In summary, the available evidence is currently insufficient to determine the role of this variant in disease. Therefore, it has been classified as a Variant of Uncertain Significance.

NM_005188.4(CBL):c.320A>C (p.Glu107Ala)

Gene: CBL (Cbl proto-oncogene; plus strand). Cytogenetic location: 11q23.3.
Variant type: single nucleotide variant.
Coding change: c.320A>C on transcript NM_005188.4 (MANE Select); coding-DNA position 320, A replaced by C.
Protein change: p.Glu107Ala; replaces glutamic acid 107 with alanine.
Molecular consequence: missense variant.
Genome position (GRCh38, 1-based): chr11:119,232,572, A>C. VCF-style: chr11-119232572-A-C. GRCh37 (hg19) VCF-style: chr11-119103282-A-C.
Other names: short protein forms E107A.
Identifiers: ClinVar variation 2692956 (VCV002692956.3), dbSNP rs2496866017, ClinGen allele CA382894908.